The following is an entry in ClinVar:

NM_003664.5(AP3B1):c.310C>T (p.Arg104Ter)

Gene: AP3B1 (adaptor related protein complex 3 subunit beta 1; minus strand). Cytogenetic location: 5q14.1.
Variant type: single nucleotide variant.
Coding change: c.310C>T on transcript NM_003664.5 (MANE Select); coding-DNA position 310, C replaced by T.
Protein change: p.Arg104Ter; replaces arginine 104 with a stop codon.
Molecular consequence: nonsense.
Genome position (GRCh38, 1-based): chr5:78,228,209, G>A on the plus strand (C>T on the coding strand, the complement: AP3B1 is on the minus strand). VCF-style: chr5-78228209-G-A. GRCh37 (hg19) VCF-style: chr5-77524033-G-A.
Other names: c.163C>T, p.Arg55Ter (NM_001271769.2); short protein forms R104*, R55*.
Identifiers: ClinVar variation 1684305 (VCV001684305.3), dbSNP rs1746480237, ClinGen allele CA360191803.
Genomic context (GRCh38, chr5:78,228,209, plus strand): 5'-GAGCTCGCTGAAAAGTGCTTATGGACAGGAGTGCAAGATCCTGCTGTTCTTCAGCATATC[G>A]AACCAGGTAAACATATACCAACTTCTTGATCTGTTAAAAAAAAATCATTTATTCATAACC-3'

ClinVar aggregate classification (germline): Pathogenic/Likely pathogenic. Review status: criteria provided, multiple submitters, no conflicts (2 of 4 stars). 3 submissions from 3 submitters: Pathogenic (1); Likely pathogenic (1). 1 of the submissions does not count toward it. Last evaluated 2024-12-31.

Conditions:
Hermansky-Pudlak syndrome 2 (HPS2). Also called: Platelet defects and oculocutaneous albinism. Identifiers: Orphanet 183678, Orphanet 79430, MedGen C1842362, MONDO:0011997, OMIM 608233.

Allele frequency attached by ClinVar (database versions not stated): gnomAD exomes below 0.00001.
gnomAD v4.1: 1 of 1,610,518 alleles (0.000062%); highest among the groups gnomAD compares: Non-Finnish European, 0.000085%; no homozygotes.

Submissions (3):

3billion
Classification: Pathogenic for Hermansky-Pudlak syndrome 2. Last evaluated: 2024-12-31. Review status: criteria provided, single submitter. Criteria: ACMG Guidelines, 2015. Collection method: clinical testing. Allele origin: germline. Affected: yes.
Comment: The variant is observed at an extremely low frequency in the gnomAD v4.1.0 dataset (total allele frequency: <0.001%). Predicted Consequence/Location: Stop-gained (nonsense): predicted to result in a loss or disruption of normal protein function through nonsense-mediated decay (NMD) or protein truncation. Multiple pathogenic variants are reported downstream of the variant. The variant has been reported at least twice as pathogenic without evidence for the classification (ClinVar ID: VCV001684305). Therefore, this variant is classified as Pathogenic according to the recommendation of ACMG/AMP guideline.

Fulgent Genetics
Classification: Likely pathogenic for Hermansky-Pudlak syndrome 2. Last evaluated: 2022-01-28. Review status: criteria provided, single submitter. Criteria: ACMG Guidelines, 2015. Collection method: clinical testing. Allele origin: unknown.

ISTH-SSC Genomics in Thrombosis and Hemostasis, KU Leuven, Center for Molecular and Vascular Biology
Classification: Likely pathogenic for Hermansky-Pudlak syndrome 2. Review status: no assertion criteria provided. Collection method: research. Allele origin: unknown. Affected: yes. Not counted in ClinVar's aggregate classification.
Comment: Submitted to GoldVariant by Dr Marie-Christine Morel-Kopp from Northern Blood Research Centre, Sydney, Australia